The following is an entry in ClinVar:

NM_007374.3(SIX6):c.731G>A (p.Cys244Tyr)

Genes: C14orf39 (chromosome 14 open reading frame 39; minus strand), SIX6 (SIX homeobox 6; plus strand). Cytogenetic location: 14q23.1.
Variant type: single nucleotide variant.
Coding change: c.731G>A on transcript NM_007374.3 (MANE Select); coding-DNA position 731, G replaced by A.
Protein change: p.Cys244Tyr; replaces cysteine 244 with tyrosine.
Molecular consequence: missense variant.
Genome position (GRCh38, 1-based): chr14:60,511,242, G>A. VCF-style: chr14-60511242-G-A. GRCh37 (hg19) VCF-style: chr14-60977960-G-A.
Other names: short protein forms C244Y.
Identifiers: ClinVar variation 2080301 (VCV002080301.4), dbSNP rs763918148, ClinGen allele CA262195964.
Genomic context (GRCh38, chr14:60,511,242, plus strand): 5'-CCAGTCTATCCAGCAAGGCGGCCACTTCAGCCATCTCCATCACGTCCAGCGACAGCGAGT[G>A]CGACATCTGAGTTGCCCATCCAGGATGCTCAGAAGCAGATTCCAGTGTAAAAACGAGAAA-3'
Protein context (NP_031400.2, residues 234-246): AISITSSDSE[Cys244Tyr]DI

ClinVar aggregate classification (germline): Uncertain significance (1 of 4 stars; one submission).

Submission:

Labcorp Genetics (formerly Invitae), Labcorp
Classification: Uncertain significance. Last evaluated: 2024-10-30. Review status: criteria provided, single submitter. Criteria: Invitae Variant Classification Sherloc (09022015). Collection method: clinical testing. Allele origin: germline.
Comment: This sequence change replaces cysteine, which is neutral and slightly polar, with tyrosine, which is neutral and polar, at codon 244 of the SIX6 protein (p.Cys244Tyr). This variant is not present in population databases (gnomAD no frequency). This variant has not been reported in the literature in individuals affected with SIX6-related conditions. ClinVar contains an entry for this variant (Variation ID: 2080301). An algorithm developed to predict the effect of missense changes on protein structure and function (PolyPhen-2) suggests that this variant is likely to be disruptive. In summary, the available evidence is currently insufficient to determine the role of this variant in disease. Therefore, it has been classified as a Variant of Uncertain Significance.